The following is an entry in ClinVar:

NM_017755.6(NSUN2):c.337dup (p.Glu113fs)

Gene: NSUN2 (NOP2/Sun RNA methyltransferase 2; minus strand). Cytogenetic location: 5p15.31.
Variant type: Duplication.
Coding change: c.337dup on transcript NM_017755.6 (MANE Select); coding-DNA position 337, one base duplicated (G; older notation c.337dupG).
Protein change: p.Glu113fs; shifts the reading frame from glutamic acid 113.
Molecular consequence: frameshift variant. On other transcripts: non-coding transcript variant (1), intron variant (1).
Genome position (GRCh38, 1-based): chr5:6,631,895, C duplicated on the plus strand (G on the coding strand, the reverse complement: NSUN2 is on the minus strand). VCF-style (leftmost placement, unchanged base first): chr5-6631894-T-TC. GRCh37 (hg19) VCF-style: chr5-6632007-T-TC.
Other names: c.254+704dup (NM_001193455.2); c.337dup (NM_017755.5); short protein forms E113fs.
Identifiers: ClinVar variation 2113943 (VCV002113943.5), dbSNP rs948524172, ClinGen allele CA113752193.
Genomic context (GRCh38, chr5:6,631,894, plus strand): 5'-CCCAAATAAATATTCGGCATGAAGCACTGTGGTACCTACCAACTCAGTGGCTGTGGAACT[T>TC]CAACTTTCTGACCGTCCACCTCCAGGTCCTCCAATTCCTTAAAATATTTGTTCTTTAAGC-3'

ClinVar aggregate classification (germline): Pathogenic. Review status: criteria provided, multiple submitters, no conflicts (2 of 4 stars). 2 submissions from 2 submitters: Pathogenic (2). Last evaluated 2024-09-25.

Allele frequency attached by ClinVar (database versions not stated): TOPMed below 0.00001.

Submissions (2):

GeneDx
Classification: Pathogenic. Last evaluated: 2024-09-25. Review status: criteria provided, single submitter. Criteria: GeneDx Variant Classification Process June 2021. Collection method: clinical testing. Allele origin: germline. Affected: yes.
Comment: Frameshift variant predicted to result in protein truncation or nonsense mediated decay in a gene for which loss of function is a known mechanism of disease; Not observed at significant frequency in large population cohorts (gnomAD); Has not been previously published as pathogenic or benign to our knowledge

Labcorp Genetics (formerly Invitae), Labcorp
Classification: Pathogenic. Last evaluated: 2022-06-19. Review status: criteria provided, single submitter. Criteria: Invitae Variant Classification Sherloc (09022015). Collection method: clinical testing. Allele origin: germline.
Comment: For these reasons, this variant has been classified as Pathogenic. This variant has not been reported in the literature in individuals affected with NSUN2-related conditions. This variant is not present in population databases (gnomAD no frequency). This sequence change creates a premature translational stop signal (p.Glu113Glyfs*11) in the NSUN2 gene. It is expected to result in an absent or disrupted protein product. Loss-of-function variants in NSUN2 are known to be pathogenic (PMID: 22541559, 22577224).

Literature cited by the submitters: PubMed 22541559 (cited by Labcorp Genetics (formerly Invitae), Labcorp); PubMed 22577224 (cited by Labcorp Genetics (formerly Invitae), Labcorp).